The following is an entry in ClinVar:

ClinVar aggregate classification (germline): Uncertain significance. Review status: criteria provided, multiple submitters, no conflicts (2 of 4 stars). 2 submissions from 2 submitters: Uncertain significance (2). Last evaluated 2024-03-24.

Conditions:
Dilated cardiomyopathy 1M (CMD1M). Identifiers: Orphanet 154, MedGen C1843808, MONDO:0011840, OMIM 607482.
Hypertrophic cardiomyopathy 12. Identifiers: MedGen C2677491, MONDO:0012804, OMIM 612124.
Cardiovascular phenotype. Identifiers: MedGen CN230736.

Submissions (2):

Labcorp Genetics (formerly Invitae), Labcorp
Classification: Uncertain significance for Hypertrophic cardiomyopathy 12; Dilated cardiomyopathy 1M. Last evaluated: 2024-03-24. Review status: criteria provided, single submitter. Criteria: Invitae Variant Classification Sherloc (09022015). Collection method: clinical testing. Allele origin: germline.
Comment: This sequence change replaces asparagine, which is neutral and polar, with histidine, which is basic and polar, at codon 158 of the CSRP3 protein (p.Asn158His). This variant is not present in population databases (gnomAD no frequency). This missense change has been observed in individual(s) with hypertrophic cardiomyopathy (Invitae). An algorithm developed to predict the effect of missense changes on protein structure and function (PolyPhen-2) suggests that this variant is likely to be disruptive. In summary, the available evidence is currently insufficient to determine the role of this variant in disease. Therefore, it has been classified as a Variant of Uncertain Significance.

Ambry Genetics
Classification: Uncertain significance for Cardiovascular phenotype. Last evaluated: 2024-03-15. Review status: criteria provided, single submitter. Criteria: Ambry Variant Classification Scheme 2023. Collection method: clinical testing. Allele origin: germline.

NM_003476.5(CSRP3):c.472A>C (p.Asn158His)

Gene: CSRP3 (cysteine and glycine rich protein 3; minus strand). Cytogenetic location: 11p15.1.
Variant type: single nucleotide variant.
Coding change: c.472A>C on transcript NM_003476.5 (MANE Select); coding-DNA position 472, A replaced by C.
Protein change: p.Asn158His; replaces asparagine 158 with histidine.
Molecular consequence: missense variant.
Genome position (GRCh38, 1-based): chr11:19,184,988, T>G on the plus strand (A>C on the coding strand, the complement: CSRP3 is on the minus strand). VCF-style: chr11-19184988-T-G. GRCh37 (hg19) VCF-style: chr11-19206535-T-G.
Other names: c.303A>C, p.Gln101His (NM_001369404.1); short protein forms N158H, Q101H.
Identifiers: ClinVar variation 3269951 (VCV003269951.3).
Genomic context (GRCh38, chr11:19,184,988, plus strand): 5'-AAGAAAGTCTCCAGAATCACTCACCTTTGCAATAAAGTTCCCCATCTTTGTCAGTGACAT[T>G]TGTGGACTCCAGACTCTTCCCACAGATGGCACAGCGGAAACAGGTCTTGTGCCAAGGCTG-3'
Protein context (NP_003467.1, residues 148-168): AICGKSLEST[Asn158His]VTDKDGELYC